The following is an entry in ClinVar:

ClinVar aggregate classification (germline): Likely benign (1 of 4 stars; one submission).

Allele frequency attached by ClinVar (database versions not stated): ExAC 0.00024; ESP Exome Variant Server 0.00024; 1000 Genomes Project 30x 0.00328.

Submission:

CeGaT Center for Human Genetics Tuebingen
Classification: Likely benign. Last evaluated: 2026-04-01. Review status: criteria provided, single submitter. Criteria: CeGaT Center For Human Genetics Tuebingen Variant Classification Criteria Version 2. Collection method: clinical testing. Allele origin: germline. Affected: yes. Observed: 10 variant alleles.
Comment: MUC5B: BP4, BS1

NM_002458.3(MUC5B):c.11624T>C (p.Val3875Ala)

Genes: MUC5B (mucin 5B, oligomeric mucus/gel-forming; plus strand), MUC5B-AS1 (MUC5B antisense RNA 1; minus strand). Cytogenetic location: 11p15.5.
Variant type: single nucleotide variant.
Coding change: c.11624T>C on transcript NM_002458.3 (MANE Select); coding-DNA position 11624, T replaced by C.
Protein change: p.Val3875Ala; replaces valine 3875 with alanine.
Molecular consequence: missense variant.
Genome position (GRCh38, 1-based): chr11:1,248,504, T>C. VCF-style: chr11-1248504-T-C. GRCh37 (hg19) VCF-style: chr11-1269734-T-C.
Other names: short protein forms V3875A.
Identifiers: ClinVar variation 2641278 (VCV002641278.24), dbSNP rs201840224, ClinGen allele CA5807723.